The following is an entry in ClinVar:

NM_014855.3(AP5Z1):c.262G>A (p.Ala88Thr)

Gene: AP5Z1 (adaptor related protein complex 5 subunit zeta 1; plus strand). Cytogenetic location: 7p22.1.
Variant type: single nucleotide variant.
Coding change: c.262G>A on transcript NM_014855.3 (MANE Select); coding-DNA position 262, G replaced by A.
Protein change: p.Ala88Thr; replaces alanine 88 with threonine.
Molecular consequence: missense variant. On other transcripts: non-coding transcript variant (1), intron variant (1).
Genome position (GRCh38, 1-based): chr7:4,781,650, G>A. VCF-style: chr7-4781650-G-A. GRCh37 (hg19) VCF-style: chr7-4821281-G-A.
Other names: c.-103+338G>A (NM_001364858.1); short protein forms A88T.
Identifiers: ClinVar variation 1933723 (VCV001933723.7), dbSNP rs773979533, ClinGen allele CA4137127.

ClinVar aggregate classification (germline): Uncertain significance. Review status: criteria provided, multiple submitters, no conflicts (2 of 4 stars). 2 submissions from 2 submitters: Uncertain significance (2). Last evaluated 2025-03-20.

Conditions:
Inborn genetic diseases. Identifiers: MedGen C0950123, MeSH D030342.
Hereditary spastic paraplegia 48. Also called: SPASTIC PARAPLEGIA 48, AUTOSOMAL RECESSIVE; Spastic paraplegia 48. Identifiers: Orphanet 306511, MedGen C3150901, MONDO:0013342, OMIM 613647.

Allele frequency attached by ClinVar (database versions not stated): ExAC 0.00001; gnomAD exomes 0.00002; TOPMed 0.00003; gnomAD 0.00004.
gnomAD v4.1: 38 of 1,605,826 alleles (0.0024%); highest among the groups gnomAD compares: East Asian, 0.011%; no homozygotes.

Submissions (2):

Ambry Genetics
Classification: Uncertain significance for Inborn genetic diseases. Last evaluated: 2025-03-20. Review status: criteria provided, single submitter. Criteria: Ambry Variant Classification Scheme 2023. Collection method: clinical testing. Allele origin: germline.

Labcorp Genetics (formerly Invitae), Labcorp
Classification: Uncertain significance for Hereditary spastic paraplegia 48. Last evaluated: 2024-11-05. Review status: criteria provided, single submitter. Criteria: Invitae Variant Classification Sherloc (09022015). Collection method: clinical testing. Allele origin: germline.
Comment: This sequence change replaces alanine, which is neutral and non-polar, with threonine, which is neutral and polar, at codon 88 of the AP5Z1 protein (p.Ala88Thr). The frequency data for this variant in the population databases is considered unreliable, as metrics indicate poor data quality at this position in the gnomAD database. This variant has not been reported in the literature in individuals affected with AP5Z1-related conditions. ClinVar contains an entry for this variant (Variation ID: 1933723). Invitae Evidence Modeling of protein sequence and biophysical properties (such as structural, functional, and spatial information, amino acid conservation, physicochemical variation, residue mobility, and thermodynamic stability) indicates that this missense variant is expected to disrupt AP5Z1 protein function with a positive predictive value of 80%. In summary, the available evidence is currently insufficient to determine the role of this variant in disease. Therefore, it has been classified as a Variant of Uncertain Significance.